The following is an entry in ClinVar:

ClinVar aggregate classification (germline): Uncertain significance. Review status: criteria provided, multiple submitters, no conflicts (2 of 4 stars). 2 submissions from 2 submitters: Uncertain significance (2). Last evaluated 2023-05-23.

Conditions:
Hereditary cancer-predisposing syndrome. Also called: Hereditary neoplastic syndrome; Neoplastic Syndromes, Hereditary; Tumor predisposition; Hereditary Cancer Syndrome. Identifiers: Orphanet 140162, MedGen C0027672, MeSH D009386, MONDO:0015356.
Ataxia-telangiectasia syndrome (AT). Also called: Ataxia telangiectasia (A-T); LOUIS-BAR SYNDROME; Cerebello-oculocutaneous telangiectasia; Immunodeficiency with ataxia telangiectasia; Ataxia-telangiectasia, complementation group D; AT, COMPLEMENTATION GROUP C. Identifiers: Orphanet 100, MedGen C0004135, MONDO:0008840, OMIM 208900.

Submissions (2):

Labcorp Genetics (formerly Invitae), Labcorp
Classification: Uncertain significance for Ataxia-telangiectasia syndrome. Last evaluated: 2023-05-23. Review status: criteria provided, single submitter. Criteria: Invitae Variant Classification Sherloc (09022015). Collection method: clinical testing. Allele origin: germline.
Comment: This variant has not been reported in the literature in individuals affected with ATM-related conditions. In summary, the available evidence is currently insufficient to determine the role of this variant in disease. Therefore, it has been classified as a Variant of Uncertain Significance. An algorithm developed to predict the effect of missense changes on protein structure and function (PolyPhen-2) suggests that this variant is likely to be disruptive. ClinVar contains an entry for this variant (Variation ID: 1761376). This variant is not present in population databases (gnomAD no frequency). This sequence change replaces isoleucine, which is neutral and non-polar, with threonine, which is neutral and polar, at codon 2653 of the ATM protein (p.Ile2653Thr).

Ambry Genetics
Classification: Uncertain significance for Hereditary cancer-predisposing syndrome. Last evaluated: 2022-05-18. Review status: criteria provided, single submitter. Criteria: Ambry Variant Classification Scheme 2023. Collection method: clinical testing. Allele origin: germline.
Comment: The p.I2653T variant (also known as c.7958T>C), located in coding exon 53 of the ATM gene, results from a T to C substitution at nucleotide position 7958. The isoleucine at codon 2653 is replaced by threonine, an amino acid with similar properties. This amino acid position is well conserved in available vertebrate species. In addition, this alteration is predicted to be deleterious by in silico analysis. Since supporting evidence is limited at this time, the clinical significance of this alteration remains unclear.

NM_000051.4(ATM):c.7958T>C (p.Ile2653Thr)

Genes: ATM (ATM serine/threonine kinase; plus strand), C11orf65 (chromosome 11 open reading frame 65; minus strand). Cytogenetic location: 11q22.3.
Variant type: single nucleotide variant.
Coding change: c.7958T>C on transcript NM_000051.4 (MANE Select); coding-DNA position 7958, T replaced by C.
Protein change: p.Ile2653Thr; replaces isoleucine 2653 with threonine.
Molecular consequence: missense variant. On other transcripts: intron variant (2).
Genome position (GRCh38, 1-based): chr11:108,333,916, T>C. VCF-style: chr11-108333916-T-C. GRCh37 (hg19) VCF-style: chr11-108204643-T-C.
Other names: c.641-24845A>G (NM_001330368.2); c.*38+1304A>G (NM_001351110.2); c.7958T>C, p.Ile2653Thr (NM_001351834.2); short protein forms I2653T.
Identifiers: ClinVar variation 1761376 (VCV001761376.6), dbSNP rs2136613393, ClinGen allele CA382561709.